The following is an entry in ClinVar:

ClinVar aggregate classification (germline): Uncertain significance (1 of 4 stars; one submission).

Submission:

GeneDx
Classification: Uncertain significance. Last evaluated: 2020-01-28. Review status: criteria provided, single submitter. Criteria: GeneDx Variant Classification Process June 2021. Collection method: clinical testing. Allele origin: germline. Affected: yes.
Comment: Not observed in large population cohorts (Lek et al., 2016); In-frame deletion of 2 amino acids in a non-repeat region; In silico analysis, which includes protein predictors and evolutionary conservation, supports a deleterious effect; Has not been previously published as pathogenic or benign to our knowledge

NM_001172509.2(SATB2):c.1062_1067del (p.Asn355_Ser356del)

Gene: SATB2 (SATB homeobox 2; minus strand). Cytogenetic location: 2q33.1.
Variant type: Deletion.
Coding change: c.1062_1067del on transcript NM_001172509.2 (MANE Select); coding-DNA positions 1062 to 1067, 6 bases deleted (CAACTC; older notation c.1062_1067delCAACTC).
Protein change: p.Asn355_Ser356del.
Molecular consequence: inframe deletion.
Genome position (GRCh38, 1-based): chr2:199,348,807-199,348,812, GAGTTG deleted on the plus strand (CAACTC on the coding strand, the reverse complement: SATB2 is on the minus strand); deleting any 6 consecutive bases within chr2:199,348,807-199,348,813 gives the same sequence; the c. name uses the placement nearest the transcript's 3' end. VCF-style (leftmost placement, unchanged base first): chr2-199348806-AGAGTTG-A. GRCh37 (hg19) VCF-style: chr2-200213529-AGAGTTG-A.
Other names: c.1062_1067del, p.Asn355_Ser356del (NM_001172517.1, NM_015265.4).
Identifiers: ClinVar variation 1315225 (VCV001315225.2), dbSNP rs2105822995, ClinGen allele CA2573051830.